The following is an entry in ClinVar:

ClinVar aggregate classification (germline): Uncertain significance. Review status: criteria provided, multiple submitters, no conflicts (2 of 4 stars). 2 submissions from 2 submitters: Uncertain significance (2). Last evaluated 2024-05-10.

Conditions:
Fanconi anemia complementation group I (FANCI). Also called: FANCI-Related Fanconi Anemia. Identifiers: Orphanet 84, MedGen C1836861, MONDO:0012186, OMIM 609053.

Allele frequency attached by ClinVar (database versions not stated): gnomAD exomes 0.00001 and 0.00002; TOPMed 0.00001; ExAC 0.00002; gnomAD 0.00002; 1000 Genomes Project 30x 0.00016; 1000 Genomes Project 0.00020.
gnomAD v4.1: 25 of 1,613,950 alleles (0.0015%); highest among the groups gnomAD compares: African/African-American, 0.0027%; no homozygotes.

Submissions (2):

Fulgent Genetics
Classification: Uncertain significance for Fanconi anemia complementation group I. Last evaluated: 2024-05-10. Review status: criteria provided, single submitter. Criteria: ACMG Guidelines, 2015. Collection method: clinical testing. Allele origin: germline.

GeneDx
Classification: Uncertain significance. Last evaluated: 2021-04-20. Review status: criteria provided, single submitter. Criteria: GeneDx Variant Classification Process June 2021. Collection method: clinical testing. Allele origin: germline. Affected: yes.
Comment: In silico analysis supports that this missense variant does not alter protein structure/function; Has not been previously published as pathogenic or benign to our knowledge

NM_001113378.2(FANCI):c.209C>T (p.Thr70Ile)

Gene: FANCI (FA complementation group I; plus strand). Cytogenetic location: 15q26.1.
Variant type: single nucleotide variant.
Coding change: c.209C>T on transcript NM_001113378.2 (MANE Select); coding-DNA position 209, C replaced by T.
Protein change: p.Thr70Ile; replaces threonine 70 with isoleucine.
Molecular consequence: missense variant. On other transcripts: 5 prime UTR variant (1).
Genome position (GRCh38, 1-based): chr15:89,260,764, C>T. VCF-style: chr15-89260764-C-T. GRCh37 (hg19) VCF-style: chr15-89803995-C-T.
Other names: c.-71C>T (NM_001376910.1); c.209C>T, p.Thr70Ile (NM_001376911.1, NM_018193.3); short protein forms T70I.
Identifiers: ClinVar variation 1326598 (VCV001326598.4), dbSNP rs201796281, ClinGen allele CA7722534.